The following is an entry in ClinVar:

NM_000280.4(PAX6):c.*4370C>G

Genes: ELP4 (elongator acetyltransferase complex subunit 4; plus strand), PAX6 (paired box 6; minus strand). Cytogenetic location: 11p13.
Variant type: single nucleotide variant.
Coding change: c.*4370C>G on transcript NM_000280.4; 4370 bases downstream of the stop codon, C replaced by G.
Molecular consequence: 3 prime UTR variant (on NM_019040.5).
Genome position (GRCh38, 1-based): chr11:31,785,564, G>C on the plus strand (C>G on the coding strand, the complement: PAX6 is on the minus strand). VCF-style: chr11-31785564-G-C. GRCh37 (hg19) VCF-style: chr11-31807112-G-C.
Other names: c.*2026G>C (NM_001288725.2); c.*2135G>C (NM_001288726.2); c.*2040G>C (NM_019040.5).
Identifiers: ClinVar variation 304295 (VCV000304295.8), dbSNP rs183115097, ClinGen allele CA10638893.

ClinVar aggregate classification (germline): Benign/Likely benign. Review status: criteria provided, single submitter (1 of 4 stars). 5 submissions from 1 submitter: Benign (4); Likely benign (1). Last evaluated 2018-01-13.

Conditions:
Anophthalmia-microphthalmia syndrome. Also called: Anophthalmia/Microphthalmia; Anophthalmia - microphthalmia. Identifiers: Orphanet 98555, MedGen C5680330, MONDO:0020147.
11p partial monosomy syndrome (WAGR). Also called: WAGR Spectrum Disorder; WAGR syndrome; WAGR Complex; CHROMOSOME 11p13 DELETION SYNDROME. Identifiers: Orphanet 893, MedGen C0206115, MONDO:0008681, OMIM 194072.
Autosomal dominant keratitis. Also called: Keratitis, hereditary. Identifiers: Orphanet 2334, MedGen C1835698, MONDO:0007848, OMIM 148190.
Foveal hypoplasia 1. Also called: FOVEAL HYPOPLASIA 1 WITH OR WITHOUT ANTERIOR SEGMENT ANOMALIES AND/OR CATARACT; FOVEAL HYPOPLASIA 1 WITH ANTERIOR SEGMENT ANOMALIES. Identifiers: Orphanet 2253, MedGen C3805604, MONDO:0007628, OMIM 136520.
carboxymethyl-dextran-A2-gadolinium-DOTA.

Allele frequency attached by ClinVar (database versions not stated): gnomAD 0.00189 and 0.00194; gnomAD exomes 0.00196; 1000 Genomes Project 0.00060; TOPMed 0.00213; 1000 Genomes Project 30x 0.00078.
gnomAD v4.1: 366 of 194,306 alleles (0.19%); highest among the groups gnomAD compares: Non-Finnish European, 0.3%; 1 homozygote.

Submissions (5):

Illumina Laboratory Services, Illumina
Classification: Benign for Wilms tumor, aniridia, genitourinary anomalies, and mental retardation syndrome. Last evaluated: 2018-01-13. Review status: criteria provided, single submitter. Criteria: ICSL Variant Classification Criteria 13 December 2019. Collection method: clinical testing. Allele origin: germline.
Comment: This variant was observed in the ICSL laboratory as part of a predisposition screen in an ostensibly healthy population. It had not been previously curated by ICSL or reported in the Human Gene Mutation Database (HGMD: prior to June 1st, 2018), and was therefore a candidate for classification through an automated scoring system. Utilizing variant allele frequency, disease prevalence and penetrance estimates, and inheritance mode, an automated score was calculated to assess if this variant is too frequent to cause the disease. Based on the score and internal cut-off values, a variant classified as benign is not then subjected to further curation. The score for this variant resulted in a classification of benign for this disease.

Illumina Laboratory Services, Illumina
Classification: Benign for Foveal hypoplasia 1. Last evaluated: 2018-01-13. Review status: criteria provided, single submitter. Criteria: ICSL Variant Classification Criteria 13 December 2019. Collection method: clinical testing. Allele origin: germline.
Comment: the same text as in the submission from Illumina Laboratory Services, Illumina above.

Illumina Laboratory Services, Illumina
Classification: Benign for carboxymethyl-dextran-A2-gadolinium-DOTA. Last evaluated: 2018-01-13. Review status: criteria provided, single submitter. Criteria: ICSL Variant Classification Criteria 13 December 2019. Collection method: clinical testing. Allele origin: germline.
Comment: the same text as in the submission from Illumina Laboratory Services, Illumina above.

Illumina Laboratory Services, Illumina
Classification: Benign for Autosomal dominant keratitis. Last evaluated: 2018-01-13. Review status: criteria provided, single submitter. Criteria: ICSL Variant Classification Criteria 13 December 2019. Collection method: clinical testing. Allele origin: germline.
Comment: the same text as in the submission from Illumina Laboratory Services, Illumina above.

Illumina Laboratory Services, Illumina
Classification: Likely benign for Anophthalmia-microphthalmia syndrome. Last evaluated: 2018-01-13. Review status: criteria provided, single submitter. Criteria: ICSL Variant Classification Criteria 13 December 2019. Collection method: clinical testing. Allele origin: germline.
Comment: This variant was observed in the ICSL laboratory as part of a predisposition screen in an ostensibly healthy population. It had not been previously curated by ICSL or reported in the Human Gene Mutation Database (HGMD: prior to June 1st, 2018), and was therefore a candidate for classification through an automated scoring system. Utilizing variant allele frequency, disease prevalence and penetrance estimates, and inheritance mode, an automated score was calculated to assess if this variant is too frequent to cause the disease. Based on the score and internal cut-off values, a variant classified as likely benign is not then subjected to further curation. The score for this variant resulted in a classification of likely benign for this disease.